The following is an entry in ClinVar:

NM_006514.4(SCN10A):c.1945C>T (p.Pro649Ser)

Gene: SCN10A (sodium voltage-gated channel alpha subunit 10; minus strand). Cytogenetic location: 3p22.2.
Variant type: single nucleotide variant.
Coding change: c.1945C>T on transcript NM_006514.4 (MANE Select); coding-DNA position 1945, C replaced by T.
Protein change: p.Pro649Ser; replaces proline 649 with serine.
Molecular consequence: missense variant.
Genome position (GRCh38, 1-based): chr3:38,742,452, G>A on the plus strand (C>T on the coding strand, the complement: SCN10A is on the minus strand). VCF-style: chr3-38742452-G-A. GRCh37 (hg19) VCF-style: chr3-38783943-G-A.
Other names: c.1945C>T, p.Pro649Ser (NM_001293306.2); c.1651C>T, p.Pro551Ser (NM_001293307.2); short protein forms P649S, P551S.
Identifiers: ClinVar variation 407741 (VCV000407741.3), dbSNP rs747848559, ClinGen allele CA2320689.
Genomic context (GRCh38, chr3:38,742,452, plus strand): 5'-GCTCTGCAAAGGGATCCGTCACAAGCCCAAAGAGAATTGTCTTGAGCTTCACCCACATGG[G>A]GCAGCAATCCCAGATCAGATACTTCTGAGACAAGCTGGTCAAGCAGGGTGGGCACTTCTG-3'
Protein context (NP_006505.4, residues 639-659): SQKYLIWDCC[Pro649Ser]MWVKLKTILF

ClinVar aggregate classification (germline): Uncertain significance (1 of 4 stars; one submission).

Conditions:
Brugada syndrome. Also called: Sudden unexpected nocturnal death syndrome; Sudden unexplained nocturnal death syndrome; Sudden Unexplained Death Syndrome; Sudden Unexplained Nocturnal Death Syndrome (SUNDS). Identifiers: Orphanet 130, MedGen C1142166, MONDO:0015263.

Allele frequency attached by ClinVar (database versions not stated): gnomAD exomes below 0.00001 and 0.00001; ExAC 0.00001; gnomAD 0.00001; TOPMed 0.00002.
gnomAD v4.1: 3 of 1,614,024 alleles (0.00019%); highest among the groups gnomAD compares: African/African-American, 0.004%; no homozygotes.

Submission:

Labcorp Genetics (formerly Invitae), Labcorp
Classification: Uncertain significance for Brugada syndrome. Last evaluated: 2025-05-13. Review status: criteria provided, single submitter. Criteria: Invitae Variant Classification Sherloc (09022015). Collection method: clinical testing. Allele origin: germline.
Comment: This sequence change replaces proline, which is neutral and non-polar, with serine, which is neutral and polar, at codon 649 of the SCN10A protein (p.Pro649Ser). This variant is present in population databases (rs747848559, gnomAD 0.01%). This variant has not been reported in the literature in individuals affected with SCN10A-related conditions. ClinVar contains an entry for this variant (Variation ID: 407741). Invitae Evidence Modeling of protein sequence and biophysical properties (such as structural, functional, and spatial information, amino acid conservation, physicochemical variation, residue mobility, and thermodynamic stability) indicates that this missense variant is not expected to disrupt SCN10A protein function with a negative predictive value of 80%. In summary, the available evidence is currently insufficient to determine the role of this variant in disease. Therefore, it has been classified as a Variant of Uncertain Significance.